The following is an entry in ClinVar:

NM_000096.4(CP):c.395-1G>A

Gene: CP (ceruloplasmin; minus strand). Cytogenetic location: 3q25.1.
Variant type: single nucleotide variant.
Coding change: c.395-1G>A on transcript NM_000096.4 (MANE Select); the canonical splice acceptor site of the intron before coding-DNA position 395, G replaced by A.
Molecular consequence: splice acceptor variant.
Genome position (GRCh38, 1-based): chr3:149,210,380, C>T on the plus strand (G>A on the coding strand, the complement: CP is on the minus strand). VCF-style: chr3-149210380-C-T. GRCh37 (hg19) VCF-style: chr3-148928167-C-T.
Other names: c.395-1G>A.
Identifiers: ClinVar variation 42168 (VCV000042168.3), dbSNP rs386134135, ClinGen allele CA344639.

ClinVar aggregate classification (germline): Pathogenic (0 of 4 stars; one submission).

Conditions:
Deficiency of ferroxidase (ACEP). Also called: Deficiency of ceruloplasmin; Aceruloplasminemia; Ceruloplasmin deficiency; Familial apoceruloplasmin deficiency; Hereditary ceruloplasmin deficiency; NEURODEGENERATION WITH BRAIN IRON ACCUMULATION 10. Identifiers: Orphanet 48818, MedGen C0878682, MONDO:0011426, OMIM 604290, HP:0025498.

Allele frequency attached by ClinVar (database versions not stated): gnomAD exomes below 0.00001 and 0.00001; TOPMed 0.00001; ExAC 0.00001; gnomAD 0.00001.
gnomAD v4.1: 20 of 1,613,552 alleles (0.0012%); highest among the groups gnomAD compares: Non-Finnish European, 0.0017%; no homozygotes.

Submission:

GeneReviews
Classification: Pathogenic for Aceruloplasminemia. Last evaluated: 2013-04-18. Review status: no assertion criteria provided. Collection method: curation. Allele origin: unknown.
ClinVar note: Converted during submission from pathologic to Pathogenic.